The following is an entry in ClinVar:

ClinVar aggregate classification (germline): Uncertain significance. Review status: criteria provided, multiple submitters, no conflicts (2 of 4 stars). 2 submissions from 2 submitters: Uncertain significance (2). Last evaluated 2024-11-22.

Conditions:
Hereditary cancer-predisposing syndrome. Also called: Neoplastic Syndromes, Hereditary; Hereditary Cancer Syndrome; Hereditary neoplastic syndrome; Tumor predisposition. Identifiers: Orphanet 140162, MedGen C0027672, MeSH D009386, MONDO:0015356.

Submissions (2):

Ambry Genetics
Classification: Uncertain significance for Hereditary cancer-predisposing syndrome. Last evaluated: 2024-11-22. Review status: criteria provided, single submitter. Criteria: Ambry Variant Classification Scheme 2023. Collection method: clinical testing. Allele origin: germline.
Comment: The p.S135N variant (also known as c.404G>A), located in coding exon 3 of the XRCC2 gene, results from a G to A substitution at nucleotide position 404. The serine at codon 135 is replaced by asparagine, an amino acid with highly similar properties. This amino acid position is conserved. In addition, this alteration is predicted to be tolerated by in silico analysis. Since supporting evidence is limited at this time, the clinical significance of this alteration remains unclear.

Labcorp Genetics (formerly Invitae), Labcorp
Classification: Uncertain significance. Last evaluated: 2024-01-15. Review status: criteria provided, single submitter. Criteria: Invitae Variant Classification Sherloc (09022015). Collection method: clinical testing. Allele origin: germline.
Comment: This sequence change replaces serine, which is neutral and polar, with asparagine, which is neutral and polar, at codon 135 of the XRCC2 protein (p.Ser135Asn). This variant is not present in population databases (gnomAD no frequency). This variant has not been reported in the literature in individuals affected with XRCC2-related conditions. ClinVar contains an entry for this variant (Variation ID: 1436840). Advanced modeling of protein sequence and biophysical properties (such as structural, functional, and spatial information, amino acid conservation, physicochemical variation, residue mobility, and thermodynamic stability) performed at Invitae indicates that this missense variant is not expected to disrupt XRCC2 protein function with a negative predictive value of 80%. In summary, the available evidence is currently insufficient to determine the role of this variant in disease. Therefore, it has been classified as a Variant of Uncertain Significance.

NM_005431.2(XRCC2):c.404G>A (p.Ser135Asn)

Gene: XRCC2 (X-ray repair cross complementing 2; minus strand). Cytogenetic location: 7q36.1.
Variant type: single nucleotide variant.
Coding change: c.404G>A on transcript NM_005431.2 (MANE Select); coding-DNA position 404, G replaced by A.
Protein change: p.Ser135Asn; replaces serine 135 with asparagine.
Molecular consequence: missense variant.
Genome position (GRCh38, 1-based): chr7:152,649,081, C>T on the plus strand (G>A on the coding strand, the complement: XRCC2 is on the minus strand). VCF-style: chr7-152649081-C-T. GRCh37 (hg19) VCF-style: chr7-152346166-C-T.
Other names: short protein forms S135N.
Identifiers: ClinVar variation 1436840 (VCV001436840.11), dbSNP rs2098027384, ClinGen allele CA370198777.